The following is an entry in ClinVar:

NM_014444.5(TUBGCP4):c.537del (p.His180fs)

Gene: TUBGCP4 (tubulin gamma complex component 4; plus strand). Cytogenetic location: 15q15.3.
Variant type: Deletion.
Coding change: c.537del on transcript NM_014444.5 (MANE Select); coding-DNA position 537, one base deleted (T; older notation c.537delT).
Protein change: p.His180fs; shifts the reading frame from histidine 180.
Molecular consequence: frameshift variant.
Genome position (GRCh38, 1-based): chr15:43,383,318, T deleted. VCF-style (leftmost placement, unchanged base first): chr15-43383317-GT-G. GRCh37 (hg19) VCF-style: chr15-43675515-GT-G.
Other names: c.537del, p.His180fs (NM_001286414.3); short protein forms H180fs.
Identifiers: ClinVar variation 4773652 (VCV004773652.1).

ClinVar aggregate classification (germline): Pathogenic (1 of 4 stars; one submission).

Submission:

Labcorp Genetics (formerly Invitae), Labcorp
Classification: Pathogenic. Last evaluated: 2025-03-17. Review status: criteria provided, single submitter. Criteria: Invitae Variant Classification Sherloc (09022015). Collection method: clinical testing. Allele origin: germline.
Comment: This sequence change creates a premature translational stop signal (p.His180Metfs*51) in the TUBGCP4 gene. It is expected to result in an absent or disrupted protein product. Loss-of-function variants in TUBGCP4 are known to be pathogenic (PMID: 25817018). This variant is not present in population databases (gnomAD no frequency). This variant has not been reported in the literature in individuals affected with TUBGCP4-related conditions. For these reasons, this variant has been classified as Pathogenic.

Literature cited by the submitters: PubMed 25817018.